The following is an entry in ClinVar:

ClinVar aggregate classification (germline): Uncertain significance (1 of 4 stars; one submission).

Conditions:
Cardiovascular phenotype. Identifiers: MedGen CN230736.

Submission:

Ambry Genetics
Classification: Uncertain significance for Cardiovascular phenotype. Last evaluated: 2026-07-02. Review status: criteria provided, single submitter. Criteria: Ambry Variant Classification Scheme 2023. Collection method: clinical testing. Allele origin: germline.
Comment: The p.E2153A variant (also known as c.6458A>C), located in coding exon 26 of the APOB gene, results from an A to C substitution at nucleotide position 6458. The glutamic acid at codon 2153 is replaced by alanine, an amino acid with dissimilar properties. This amino acid position is conserved. In addition, this alteration is predicted to be tolerated by in silico analysis. Based on the available evidence, the clinical significance of this variant remains unclear.

NM_000384.3(APOB):c.6458A>C (p.Glu2153Ala)

Gene: APOB (apolipoprotein B; minus strand). Cytogenetic location: 2p24.1.
Variant type: single nucleotide variant.
Coding change: c.6458A>C on transcript NM_000384.3 (MANE Select); coding-DNA position 6458, A replaced by C.
Protein change: p.Glu2153Ala; replaces glutamic acid 2153 with alanine.
Molecular consequence: missense variant.
Genome position (GRCh38, 1-based): chr2:21,010,410, T>G on the plus strand (A>C on the coding strand, the complement: APOB is on the minus strand). VCF-style: chr2-21010410-T-G. GRCh37 (hg19) VCF-style: chr2-21233282-T-G.
Other names: short protein forms E2153A.
Identifiers: ClinVar variation 5027172 (VCV005027172.1).
Genomic context (GRCh38, chr2:21,010,410, plus strand): 5'-TGAGATAGTTTTTCATTAAAGTTGATTTTGGCATCATCTAATGCAATTTGTATATCATTT[T>G]CTGTAATTCTATACTTTTTTGTGAGAGCAGTCAGTTTCTCCTTGGCATGTGAAACTTGTC-3'
Protein context (NP_000375.3, residues 2143-2163): TALTKKYRIT[Glu2153Ala]NDIQIALDDA